The following is an entry in ClinVar:

ClinVar aggregate classification (germline): Uncertain significance (1 of 4 stars; one submission).

Submission:

Ambry Genetics
Classification: Uncertain significance. Last evaluated: 2025-02-06. Review status: criteria provided, single submitter. Criteria: Ambry Variant Classification Scheme 2023. Collection method: clinical testing. Allele origin: germline.
Comment: The p.D198Y variant (also known as c.592G>T), located in coding exon 1 of the WNK2 gene, results from a G to T substitution at nucleotide position 592. The aspartic acid at codon 198 is replaced by tyrosine, an amino acid with highly dissimilar properties. This amino acid position is conserved. In addition, this alteration is predicted to be deleterious by in silico analysis. Based on the available evidence, the clinical significance of this variant remains unclear.

NM_006648.4(WNK2):c.592G>T (p.Asp198Tyr)

Gene: WNK2 (WNK lysine deficient protein kinase 2; plus strand). Cytogenetic location: 9q22.31.
Variant type: single nucleotide variant.
Coding change: c.592G>T on transcript NM_006648.4 (MANE Select); coding-DNA position 592, G replaced by T.
Protein change: p.Asp198Tyr; replaces aspartic acid 198 with tyrosine.
Molecular consequence: missense variant.
Genome position (GRCh38, 1-based): chr9:93,185,521, G>T. VCF-style: chr9-93185521-G-T. GRCh37 (hg19) VCF-style: chr9-95947803-G-T.
Other names: c.592G>T, p.Asp198Tyr (NM_001282394.3); short protein forms D198Y.
Identifiers: ClinVar variation 3817019 (VCV003817019.1).
Genomic context (GRCh38, chr9:93,185,521, plus strand): 5'-GACGACGAGGACGACCTCAAGGCCGTGGCCACCTCTCTGGACGGCCGCTTCCTCAAGTTC[G>T]ACATCGAGCTGGGCCGCGGTTCCTTCAAGACGGTCTACAAGGGGCTGGACACGGAGACCT-3'
Protein context (NP_006639.3, residues 188-208): TSLDGRFLKF[Asp198Tyr]IELGRGSFKT